The following is an entry in ClinVar:

NM_001005242.3(PKP2):c.-15G>C

Gene: PKP2 (plakophilin 2; minus strand). Cytogenetic location: 12p11.21.
Variant type: single nucleotide variant.
Coding change: c.-15G>C on transcript NM_001005242.3 (MANE Select); 15 bases upstream of the start codon, G replaced by C.
Molecular consequence: 5 prime UTR variant.
Genome position (GRCh38, 1-based): chr12:32,896,746, C>G on the plus strand (G>C on the coding strand, the complement: PKP2 is on the minus strand). VCF-style: chr12-32896746-C-G. GRCh37 (hg19) VCF-style: chr12-33049680-C-G.
Other names: c.-15G>C (NM_004572.4).
Identifiers: ClinVar variation 1170965 (VCV001170965.2), dbSNP rs886049325, ClinGen allele CA2499221627.

ClinVar aggregate classification (germline): Uncertain significance (1 of 4 stars; one submission).

Conditions:
Cardiomyopathy (CMYO). Also called: Cardiomyopathies. Identifiers: Orphanet 167848, MedGen C0878544, MONDO:0004994, HP:0001638. Inheritance: Various modes of inheritance.

Submission:

Color Diagnostics, LLC DBA Color Health
Classification: Uncertain significance for Cardiomyopathy. Last evaluated: 2020-10-20. Review status: criteria provided, single submitter. Criteria: ACMG Guidelines, 2015. Collection method: clinical testing. Allele origin: germline.
Comment: This variant is located in the 5' untranslated region of the PKP2 gene. To our knowledge, functional studies have not been reported for this variant. This variant has not been reported in individuals affected with cardiovascular disorders in the literature. This variant has not been identified in the general population by the Genome Aggregation Database (gnomAD). The available evidence is insufficient to determine the role of this variant in disease conclusively. Therefore, this variant is classified as a Variant of Uncertain Significance.